The following is an entry in ClinVar:

ClinVar aggregate classification (germline): Pathogenic/Likely pathogenic. Review status: criteria provided, multiple submitters, no conflicts (2 of 4 stars). 3 submissions from 3 submitters: Pathogenic (2); Likely pathogenic (1). Last evaluated 2024-05-05.

Conditions:
Abetalipoproteinaemia (ABL). Also called: MTP DEFICIENCY; Abetalipoproteinemia; Abetalipoproteinemia neuropathy; Apolipoprotein B deficiency; Congenital betalipoprotein deficiency syndrome. Identifiers: Orphanet 14, MedGen C0000744, MONDO:0008692, OMIM 200100, HP:0008181.

Submissions (3):

Natera, Inc.
Classification: Likely pathogenic for Abetalipoproteinemia. Last evaluated: 2024-05-05. Review status: criteria provided, single submitter. Criteria: Natera Variant Classification Schema (03/2026). Collection method: clinical testing. Allele origin: germline.
Comment: The c.1197delT variant in MTTP is a frameshift variant predicted to shift the reading frame beginning at codon 399 and leads to a stop codon 10 codons downstream. This variant is expected to result in nonsense mediated decay, truncation, or a dysfunctional protein product. This variant is rare in the general population with a frequency below the threshold expected for the associated phenotype(s). Given the available evidence, this variant is classified as Likely Pathogenic.

Labcorp Genetics (formerly Invitae), Labcorp
Classification: Pathogenic. Last evaluated: 2024-01-25. Review status: criteria provided, single submitter. Criteria: Invitae Variant Classification Sherloc (09022015). Collection method: clinical testing. Allele origin: germline.
Comment: This sequence change creates a premature translational stop signal (p.Phe399Leufs*10) in the MTTP gene. It is expected to result in an absent or disrupted protein product. Loss-of-function variants in MTTP are known to be pathogenic (PMID: 8533758, 9671739). This variant is present in population databases (no rsID available, gnomAD 0.0009%). This variant has not been reported in the literature in individuals affected with MTTP-related conditions. For these reasons, this variant has been classified as Pathogenic.

Myriad Genetics, Inc.
Classification: Pathogenic for Abetalipoproteinaemia. Last evaluated: 2024-01-01. Review status: criteria provided, single submitter. Criteria: Myriad Autosomal Dominant, Autosomal Recessive and X-Linked Classification Criteria (2023). Collection method: clinical testing. Allele origin: unknown.
Comment: NM_000253.2(MTTP):c.1197delT(F399Lfs*10) is expected to be pathogenic in the context of abetalipoproteinemia. This variant is predicted to lead to an abnormal or absent protein product due to the creation of a premature termination codon in MTTP, a gene where loss-of-function variants are known to be pathogenic. Please note: this variant was assessed in the context of healthy population screening.

Literature cited by the submitters: PubMed 8533758 (cited by Labcorp Genetics (formerly Invitae), Labcorp); PubMed 9671739 (cited by Labcorp Genetics (formerly Invitae), Labcorp).

NM_001386140.1(MTTP):c.1197del (p.Phe399fs)

Gene: MTTP (microsomal triglyceride transfer protein; plus strand). Cytogenetic location: 4q23.
Variant type: Deletion.
Coding change: c.1197del on transcript NM_001386140.1 (MANE Select); coding-DNA position 1197, one base deleted (T; older notation c.1197delT).
Protein change: p.Phe399fs; shifts the reading frame from phenylalanine 399.
Molecular consequence: frameshift variant.
Genome position (GRCh38, 1-based): chr4:99,600,694, T deleted; the last of 3 consecutive T bases (chr4:99,600,692-99,600,694); deleting any one gives the same sequence. VCF-style (leftmost placement, unchanged base first): chr4-99600691-AT-A. GRCh37 (hg19) VCF-style: chr4-100521848-AT-A.
Other names: c.1197delT (NM_000253.3); c.1197del, p.Phe399fs (NM_000253.4); c.948del, p.Phe316fs (NM_001300785.2); short protein forms F316fs, F399fs.
Identifiers: ClinVar variation 2999044 (VCV002999044.5), dbSNP rs1350615652, ClinGen allele CA553568413.